The following is an entry in ClinVar:

NM_000051.4(ATM):c.4909G>T (p.Asp1637Tyr)

Gene: ATM (ATM serine/threonine kinase; plus strand). Cytogenetic location: 11q22.3.
Variant type: single nucleotide variant.
Coding change: c.4909G>T on transcript NM_000051.4 (MANE Select); coding-DNA position 4909, G replaced by T.
Protein change: p.Asp1637Tyr; replaces aspartic acid 1637 with tyrosine.
Molecular consequence: missense variant.
Genome position (GRCh38, 1-based): chr11:108,295,059, G>T. VCF-style: chr11-108295059-G-T. GRCh37 (hg19) VCF-style: chr11-108165786-G-T.
Other names: c.4909G>T, p.Asp1637Tyr (NM_001351834.2); short protein forms D1637Y.
Identifiers: ClinVar variation 482552 (VCV000482552.17), dbSNP rs753870656, ClinGen allele CA382537327.

ClinVar aggregate classification (germline): Conflicting classifications of pathogenicity. Review status: criteria provided, conflicting classifications (1 of 4 stars). 4 submissions from 4 submitters: Likely pathogenic (1); Uncertain significance (3). Last evaluated 2025-08-27.

Conditions:
Hereditary cancer-predisposing syndrome. Also called: Hereditary neoplastic syndrome; Neoplastic Syndromes, Hereditary; Tumor predisposition; Hereditary Cancer Syndrome. Identifiers: Orphanet 140162, MedGen C0027672, MeSH D009386, MONDO:0015356.
Familial cancer of breast. Also called: BREAST CANCER, FAMILIAL; Hereditary breast cancer; hereditary breast carcinoma. Identifiers: Orphanet 227535, MedGen C0346153, MONDO:0016419, OMIM 114480. Disease mechanism: loss of function.
Ataxia-telangiectasia syndrome (AT). Also called: LOUIS-BAR SYNDROME; Cerebello-oculocutaneous telangiectasia; Immunodeficiency with ataxia telangiectasia; AT, COMPLEMENTATION GROUP C; Ataxia-telangiectasia, complementation group D; ATAXIA-TELANGIECTASIA, COMPLEMENTATION GROUP A. Identifiers: Orphanet 100, MedGen C0004135, MONDO:0008840, OMIM 208900.

gnomAD v4.1: 1 of 1,613,694 alleles (0.000062%); highest among the groups gnomAD compares: Non-Finnish European, 0.000085%; no homozygotes.

Submissions (4):

Ambry Genetics
Classification: Uncertain significance for Hereditary cancer-predisposing syndrome. Last evaluated: 2025-08-27. Review status: criteria provided, single submitter. Criteria: Ambry Variant Classification Scheme 2023. Collection method: clinical testing. Allele origin: germline.
Comment: The p.D1637Y variant (also known as c.4909G>T), located in coding exon 31 of the ATM gene, results from a G to T substitution at nucleotide position 4909. The amino acid change results in aspartic acid to tyrosine at codon 1637, an amino acid with highly dissimilar properties. However, this change occurs in the last base pair of coding exon 31, which makes it likely to have some effect on normal mRNA splicing. This nucleotide position is well conserved in available vertebrate species. In silico splice site analysis predicts that this alteration may weaken the native splice donor site. This amino acid position is not well conserved in available vertebrate species. In addition, as a missense substitution this alteration is predicted to be tolerated by in silico analysis. Based on the available evidence, the clinical significance of this variant remains unclear.

Color Diagnostics, LLC DBA Color Health
Classification: Uncertain significance for Hereditary cancer-predisposing syndrome. Last evaluated: 2025-08-14. Review status: criteria provided, single submitter. Criteria: ACMG Guidelines, 2015. Collection method: clinical testing. Allele origin: germline.
Comment: This missense variant changes the last nucleotide of exon 32 from G to T and replaces aspartic acid with tyrosine at codon 1637 of the ATM protein. Computational prediction suggests that this variant may not impact protein structure and function. Splice site prediction tools suggest that this variant may abolish a canonical donor splice site. RNA studies have shown that this variant disrupts splicing (ClinVar Accession: SCV006298770.1). This variant has not been reported in individuals affected with hereditary cancer in the literature. This variant has not been identified in the general population by the Genome Aggregation Database (gnomAD). Although there is suspicion that this variant may be associated with disease, additional studies are necessary to determine the role of this variant in disease conclusively. Therefore, this variant is classified as a Variant of Uncertain Significance.

Myriad Genetics, Inc.
Classification: Likely pathogenic for Familial cancer of breast. Last evaluated: 2025-05-29. Review status: criteria provided, single submitter. Criteria: Myriad Autosomal Dominant, Autosomal Recessive and X-Linked Classification Criteria (2023). Collection method: clinical testing. Allele origin: unknown.
Comment: This variant is considered likely pathogenic. mRNA analysis has demonstrated abnormal mRNA splicing occurs [Myriad internal data].

Labcorp Genetics (formerly Invitae), Labcorp
Classification: Uncertain significance for Ataxia-telangiectasia syndrome. Last evaluated: 2022-03-29. Review status: criteria provided, single submitter. Criteria: Invitae Variant Classification Sherloc (09022015). Collection method: clinical testing. Allele origin: germline.
Comment: This sequence change replaces aspartic acid, which is acidic and polar, with tyrosine, which is neutral and polar, at codon 1637 of the ATM protein (p.Asp1637Tyr). This variant also falls at the last nucleotide of exon 32, which is part of the consensus splice site for this exon. This variant is not present in population databases (gnomAD no frequency). This variant has not been reported in the literature in individuals affected with ATM-related conditions. ClinVar contains an entry for this variant (Variation ID: 482552). Algorithms developed to predict the effect of missense changes on protein structure and function are either unavailable or do not agree on the potential impact of this missense change (SIFT: "Deleterious"; PolyPhen-2: "Benign"; Align-GVGD: "Class C0"). Variants that disrupt the consensus splice site are a relatively common cause of aberrant splicing (PMID: 17576681, 9536098). Algorithms developed to predict the effect of sequence changes on RNA splicing suggest that this variant may disrupt the consensus splice site. In summary, the available evidence is currently insufficient to determine the role of this variant in disease. Therefore, it has been classified as a Variant of Uncertain Significance.

Literature cited by the submitters: PubMed 17576681 (cited by Labcorp Genetics (formerly Invitae), Labcorp); PubMed 9536098 (cited by Labcorp Genetics (formerly Invitae), Labcorp).